The following is an entry in ClinVar:

NM_001184880.2(PCDH19):c.636C>G (p.Asp212Glu)

Gene: PCDH19 (protocadherin 19; minus strand). Cytogenetic location: Xq22.1.
Variant type: single nucleotide variant.
Coding change: c.636C>G on transcript NM_001184880.2 (MANE Select); coding-DNA position 636, C replaced by G.
Protein change: p.Asp212Glu; replaces aspartic acid 212 with glutamic acid.
Molecular consequence: missense variant.
Genome position (GRCh38, 1-based): chrX:100,407,962, G>C on the plus strand (C>G on the coding strand, the complement: PCDH19 is on the minus strand). VCF-style: chrX-100407962-G-C. GRCh37 (hg19) VCF-style: chrX-99662960-G-C.
Other names: c.636C>G, p.Asp212Glu (NM_001105243.2, NM_020766.3); short protein forms D212E.
Identifiers: ClinVar variation 1406235 (VCV001406235.8), dbSNP rs2147541121, ClinGen allele CA414008913.

ClinVar aggregate classification (germline): Pathogenic (1 of 4 stars; one submission).

Conditions:
Developmental and epileptic encephalopathy, 9 (DEE9). Also called: EPILEPSY, FEMALE-RESTRICTED, WITH MENTAL RETARDATION; Early infantile epileptic encephalopathy 9; PCDH19-Related X-Linked Female-Limited Epilepsy with Mental Retardation; JUBERG-HELLMAN SYNDROME. Identifiers: Orphanet 101039, Orphanet 2076, MedGen C1848137, MONDO:0010246, OMIM 300088. Disease mechanism: loss of function.

Submission:

Labcorp Genetics (formerly Invitae), Labcorp
Classification: Pathogenic for Developmental and epileptic encephalopathy, 9. Last evaluated: 2022-11-08. Review status: criteria provided, single submitter. Criteria: Invitae Variant Classification Sherloc (09022015). Collection method: clinical testing. Allele origin: germline.
Comment: This sequence change replaces aspartic acid, which is acidic and polar, with glutamic acid, which is acidic and polar, at codon 212 of the PCDH19 protein (p.Asp212Glu). This variant is not present in population databases (gnomAD no frequency). This missense change has been observed in individual(s) with PCDH19-related conditions (Invitae). In at least one individual the variant was observed to be de novo. ClinVar contains an entry for this variant (Variation ID: 1406235). Advanced modeling of protein sequence and biophysical properties (such as structural, functional, and spatial information, amino acid conservation, physicochemical variation, residue mobility, and thermodynamic stability) performed at Invitae indicates that this missense variant is expected to disrupt PCDH19 protein function. For these reasons, this variant has been classified as Pathogenic.